The following is an entry in ClinVar:

NM_000550.3(TYRP1):c.1081+1G>A

Genes: LURAP1L-AS1 (LURAP1L antisense RNA 1; minus strand), TYRP1 (tyrosinase related protein 1; plus strand). Cytogenetic location: 9p23.
Variant type: single nucleotide variant.
Coding change: c.1081+1G>A on transcript NM_000550.3 (MANE Select); the canonical splice donor site of the intron after coding-DNA position 1081, G replaced by A.
Molecular consequence: splice donor variant.
Genome position (GRCh38, 1-based): chr9:12,702,439, G>A. VCF-style: chr9-12702439-G-A. GRCh37 (hg19) VCF-style: chr9-12702439-G-A.
Identifiers: ClinVar variation 4706356 (VCV004706356.1).

ClinVar aggregate classification (germline): Likely pathogenic (1 of 4 stars; one submission).

Submission:

Labcorp Genetics (formerly Invitae), Labcorp
Classification: Likely pathogenic. Last evaluated: 2025-05-27. Review status: criteria provided, single submitter. Criteria: Invitae Variant Classification Sherloc (09022015). Collection method: clinical testing. Allele origin: germline.
Comment: This sequence change affects a donor splice site in intron 5 of the TYRP1 gene. It is expected to disrupt RNA splicing. Variants that disrupt the donor or acceptor splice site typically lead to a loss of protein function (PMID: 16199547), and loss-of-function variants in TYRP1 are known to be pathogenic (PMID: 8651291, 9345097). This variant is not present in population databases (gnomAD no frequency). Disruption of this splice site has been observed in individual(s) with cutaneous melanoma (PMID: 36863448). Algorithms developed to predict the effect of sequence changes on RNA splicing suggest that this variant may disrupt the consensus splice site. In summary, the currently available evidence indicates that the variant is pathogenic, but additional data are needed to prove that conclusively. Therefore, this variant has been classified as Likely Pathogenic.

Literature cited by the submitters: PubMed 16199547; PubMed 8651291; PubMed 9345097; PubMed 36863448.